The following is an entry in ClinVar:

ClinVar aggregate classification (germline): Uncertain significance. Review status: criteria provided, multiple submitters, no conflicts (2 of 4 stars). 2 submissions from 2 submitters: Uncertain significance (2). Last evaluated 2025-03-10.

Conditions:
Inborn genetic diseases. Identifiers: MedGen C0950123, MeSH D030342.

Allele frequency attached by ClinVar (database versions not stated): TOPMed below 0.00001.
gnomAD v4.1: 1 of 1,613,812 alleles (0.000062%); highest among the groups gnomAD compares: Admixed American, 0.0017%; no homozygotes.

Submissions (2):

Ambry Genetics
Classification: Uncertain significance for Inborn genetic diseases. Last evaluated: 2025-03-10. Review status: criteria provided, single submitter. Criteria: Ambry Variant Classification Scheme 2023. Collection method: clinical testing. Allele origin: germline.

GeneDx
Classification: Uncertain significance. Last evaluated: 2022-11-19. Review status: criteria provided, single submitter. Criteria: GeneDx Variant Classification Process June 2021. Collection method: clinical testing. Allele origin: germline. Affected: yes.
Comment: Not observed at significant frequency in large population cohorts (gnomAD); In silico analysis supports that this missense variant does not alter protein structure/function; Has not been previously published as pathogenic or benign to our knowledge

NM_005458.8(GABBR2):c.958G>C (p.Glu320Gln)

Gene: GABBR2 (gamma-aminobutyric acid type B receptor subunit 2; minus strand). Cytogenetic location: 9q22.33.
Variant type: single nucleotide variant.
Coding change: c.958G>C on transcript NM_005458.8 (MANE Select); coding-DNA position 958, G replaced by C.
Protein change: p.Glu320Gln; replaces glutamic acid 320 with glutamine.
Molecular consequence: missense variant.
Genome position (GRCh38, 1-based): chr9:98,473,187, C>G on the plus strand (G>C on the coding strand, the complement: GABBR2 is on the minus strand). VCF-style: chr9-98473187-C-G. GRCh37 (hg19) VCF-style: chr9-101235469-C-G.
Other names: short protein forms E320Q.
Identifiers: ClinVar variation 2502773 (VCV002502773.2), dbSNP rs1201096644, ClinGen allele CA374351321.
Genomic context (GRCh38, chr9:98,473,187, plus strand): 5'-TGGGGACCAAGGCACTGACCTTTCCTGAGATGGTCTTGATCTGCTTGGAGCTCAGGGGCT[C>G]GAAATCCACGCCAATGTAGCCCTCCATGGCAGCAAGCAGATTCTTCCGGAGGCAGCGGGA-3'
Protein context (NP_005449.5, residues 310-330): AMEGYIGVDF[Glu320Gln]PLSSKQIKTI